The following is an entry in ClinVar:

NM_015268.4(DNAJC13):c.2292-108C>T

Gene: DNAJC13 (DnaJ heat shock protein family (Hsp40) member C13; plus strand). Cytogenetic location: 3q22.1.
Variant type: single nucleotide variant.
Coding change: c.2292-108C>T on transcript NM_015268.4 (MANE Select); 108 bases into the intron before coding-DNA position 2292, C replaced by T.
Molecular consequence: intron variant.
Genome position (GRCh38, 1-based): chr3:132,474,824, C>T. VCF-style: chr3-132474824-C-T. GRCh37 (hg19) VCF-style: chr3-132193668-C-T.
Other names: c.2307-108C>T (NM_001329126.2).
Identifiers: ClinVar variation 4795401 (VCV004795401.1).

ClinVar aggregate classification (germline): Likely benign (1 of 4 stars; one submission).

Submission:

GeneDx
Classification: Likely benign. Last evaluated: 2019-10-05. Review status: criteria provided, single submitter. Criteria: GeneDx Variant Classification Process June 2021. Collection method: clinical testing. Allele origin: germline. Affected: yes.
Comment: See Variant Classification Assertion Criteria.